The following is an entry in ClinVar:

ClinVar aggregate classification (germline): Uncertain significance (1 of 4 stars; one submission).

gnomAD v4.1: 43 of 1,613,682 alleles (0.0027%); highest among the groups gnomAD compares: Non-Finnish European, 0.0035%; no homozygotes.

Submission:

Labcorp Genetics (formerly Invitae), Labcorp
Classification: Uncertain significance. Last evaluated: 2025-09-10. Review status: criteria provided, single submitter. Criteria: Invitae Variant Classification Sherloc (09022015). Collection method: clinical testing. Allele origin: germline.
Comment: This sequence change replaces proline, which is neutral and non-polar, with threonine, which is neutral and polar, at codon 61 of the TFAP2B protein (p.Pro61Thr). This variant is present in population databases (no rsID available, gnomAD 0.004%). This variant has not been reported in the literature in individuals affected with TFAP2B-related conditions. Invitae Evidence Modeling of protein sequence and biophysical properties (such as structural, functional, and spatial information, amino acid conservation, physicochemical variation, residue mobility, and thermodynamic stability) indicates that this missense variant is not expected to disrupt TFAP2B protein function with a negative predictive value of 80%. In summary, the available evidence is currently insufficient to determine the role of this variant in disease. Therefore, it has been classified as a Variant of Uncertain Significance.

NM_003221.4(TFAP2B):c.181C>A (p.Pro61Thr)

Gene: TFAP2B (transcription factor AP-2 beta; plus strand). Cytogenetic location: 6p12.3.
Variant type: single nucleotide variant.
Coding change: c.181C>A on transcript NM_003221.4 (MANE Select); coding-DNA position 181, C replaced by A.
Protein change: p.Pro61Thr; replaces proline 61 with threonine.
Molecular consequence: missense variant.
Genome position (GRCh38, 1-based): chr6:50,823,506, C>A. VCF-style: chr6-50823506-C-A. GRCh37 (hg19) VCF-style: chr6-50791219-C-A.
Other names: short protein forms P61T.
Identifiers: ClinVar variation 4700963 (VCV004700963.1).